The following is an entry in ClinVar:

NM_002609.4(PDGFRB):c.3196C>A (p.Pro1066Thr)

Gene: PDGFRB (platelet derived growth factor receptor beta; minus strand). Cytogenetic location: 5q32.
Variant type: single nucleotide variant.
Coding change: c.3196C>A on transcript NM_002609.4 (MANE Select); coding-DNA position 3196, C replaced by A.
Protein change: p.Pro1066Thr; replaces proline 1066 with threonine.
Molecular consequence: missense variant.
Genome position (GRCh38, 1-based): chr5:150,115,888, G>T on the plus strand (C>A on the coding strand, the complement: PDGFRB is on the minus strand). VCF-style: chr5-150115888-G-T. GRCh37 (hg19) VCF-style: chr5-149495451-G-T.
Other names: c.3004C>A, p.Pro1002Thr (NM_001355016.2); c.2713C>A, p.Pro905Thr (NM_001355017.2); short protein forms P1002T, P1066T, P905T.
Identifiers: ClinVar variation 1312456 (VCV001312456.2), dbSNP rs2113880271, ClinGen allele CA361752832.

ClinVar aggregate classification (germline): Uncertain significance (1 of 4 stars; one submission).

Submission:

GeneDx
Classification: Uncertain significance. Last evaluated: 2019-09-24. Review status: criteria provided, single submitter. Criteria: GeneDx Variant Classification Process June 2021. Collection method: clinical testing. Allele origin: germline. Affected: yes.
Comment: Not observed in large population cohorts (Lek et al., 2016); In silico analysis, which includes protein predictors and evolutionary conservation, supports that this variant does not alter protein structure/function; Has not been previously published as pathogenic or benign to our knowledge